The following is an entry in ClinVar:

NM_000141.5(FGFR2):c.827T>G (p.Phe276Cys)

Gene: FGFR2 (fibroblast growth factor receptor 2; minus strand). Cytogenetic location: 10q26.13.
Variant type: single nucleotide variant.
Coding change: c.827T>G on transcript NM_000141.5 (MANE Select); coding-DNA position 827, T replaced by G.
Protein change: p.Phe276Cys; replaces phenylalanine 276 with cysteine.
Molecular consequence: missense variant. On other transcripts: non-coding transcript variant (1), intron variant (1).
Genome position (GRCh38, 1-based): chr10:121,520,091, A>C on the plus strand (T>G on the coding strand, the complement: FGFR2 is on the minus strand). VCF-style: chr10-121520091-A-C. GRCh37 (hg19) VCF-style: chr10-123279605-A-C.
Other names: c.827T>G, p.Phe276Cys (NM_001144913.1, NM_001144917.2, NM_001320658.2 and 1 more transcripts); c.560T>G, p.Phe187Cys (NM_001144915.2, NM_001144919.2, NM_023029.3); c.482T>G, p.Phe161Cys (NM_001144916.2, NM_001144918.2); c.143T>G, p.Phe48Cys (NM_001320654.2); c.749-4772T>G (NM_001144914.1); short protein forms F187C, F276C, F48C, F161C.
Identifiers: ClinVar variation 3257948 (VCV003257948.3).

ClinVar aggregate classification (germline): Pathogenic (1 of 4 stars; one submission).
ClinVar aggregate classification (oncogenicity): Oncogenic (1 of 4 stars; one submission).

Conditions:
Neoplasm. Also called: Neoplasms; Neoplasm (disease); tumor. Identifiers: MedGen C0027651, MeSH D009369, MONDO:0005070, HP:0002664.

Submissions (2):

GeneDx
Classification: Pathogenic. Last evaluated: 2026-04-10. Review status: criteria provided, single submitter. Criteria: GeneDx Variant Classification Process June 2021. Collection method: clinical testing. Allele origin: germline.
Comment: Not observed at significant frequency in large population cohorts (gnomAD); In silico analysis supports that this missense variant has a deleterious effect on protein structure/function; This variant is associated with the following publications: (PMID: 30761385, 37889382, 34810298, 35303508, 40338217, 35008396, 33926920, 37964396, 37891989, 35350233, 37980380, 36528236, 38326380, 39289482, 41632446, 40198372, 40526877, 11781872, 29230096, 36729099, Dey2023[article], 41775672)

Center for Genomic Medicine, Rigshospitalet, Copenhagen University Hospital
Classification: Oncogenic for Neoplasm. Last evaluated: 2025-03-04. Review status: criteria provided, single submitter. Criteria: ClinGen/CGC/VICC Guidelines for Oncogenicity, 2022. Collection method: clinical testing. Allele origin: somatic. Affected: yes.

Literature cited by the submitters: PubMed 30761385 (cited by Center for Genomic Medicine, Rigshospitalet, Copenhagen University Hospital).